The following is an entry in ClinVar:

ClinVar aggregate classification (germline): Uncertain significance (1 of 4 stars; one submission).

Conditions:
Primary ciliary dyskinesia. Also called: Ciliary dyskinesia. Identifiers: Orphanet 244, MedGen C0008780, MONDO:0016575, HP:0012265.

Submission:

Ambry Genetics
Classification: Uncertain significance for Primary ciliary dyskinesia. Last evaluated: 2022-02-17. Review status: criteria provided, single submitter. Criteria: Ambry Variant Classification Scheme 2023. Collection method: clinical testing. Allele origin: germline.
Comment: The p.S207P variant (also known as c.619T>C), located in coding exon 2 of the DNAAF5 gene, results from a T to C substitution at nucleotide position 619. The serine at codon 207 is replaced by proline, an amino acid with similar properties. This amino acid position is conserved. In addition, the in silico prediction for this alteration is inconclusive. Since supporting evidence is limited at this time, the clinical significance of this alteration remains unclear.

NM_017802.4(DNAAF5):c.619T>C (p.Ser207Pro)

Gene: DNAAF5 (dynein axonemal assembly factor 5; plus strand). Cytogenetic location: 7p22.3.
Variant type: single nucleotide variant.
Coding change: c.619T>C on transcript NM_017802.4 (MANE Select); coding-DNA position 619, T replaced by C.
Protein change: p.Ser207Pro; replaces serine 207 with proline.
Molecular consequence: missense variant.
Genome position (GRCh38, 1-based): chr7:729,686, T>C. VCF-style: chr7-729686-T-C. GRCh37 (hg19) VCF-style: chr7-769323-T-C.
Other names: short protein forms S207P.
Identifiers: ClinVar variation 1752161 (VCV001752161.2), dbSNP rs1781500803, ClinGen allele CA366531610.